The following is an entry in ClinVar:

ClinVar aggregate classification (germline): Uncertain significance (1 of 4 stars; one submission).

gnomAD v4.1: 4 of 1,614,186 alleles (0.00025%); highest among the groups gnomAD compares: Non-Finnish European, 0.00034%; no homozygotes.

Submission:

Women's Health and Genetics/Laboratory Corporation of America, LabCorp
Classification: Uncertain significance. Last evaluated: 2025-02-24. Review status: criteria provided, single submitter. Criteria: LabCorp Variant Classification Summary - May 2015. Collection method: clinical testing. Allele origin: germline.
Comment: Variant summary: HNF1B c.1131C>A (p.Ser377Arg) results in a non-conservative amino acid change in the encoded protein sequence. Four of five in-silico tools predict a damaging effect of the variant on protein function. The variant allele was found at a frequency of 8e-06 in 251262 control chromosomes, predominantly at a frequency of 1.8e-05 within the Non-Finnish European subpopulation in the gnomAD database. The available data on variant occurrences in the general population are insufficient to allow any conclusion about variant significance. To our knowledge, no occurrence of c.1131C>A in individuals affected with Maturity Onset Diabetes Of The Young 5 (Renal Cysts And Diabetes Syndrome) and no experimental evidence demonstrating its impact on protein function have been reported. No submitters have cited clinical-significance assessments for this variant to ClinVar. Based on the evidence outlined above, the variant was classified as uncertain significance.

NM_000458.4(HNF1B):c.1131C>A (p.Ser377Arg)

Gene: HNF1B (HNF1 homeobox B; minus strand). Cytogenetic location: 17q12.
Variant type: single nucleotide variant.
Coding change: c.1131C>A on transcript NM_000458.4 (MANE Select); coding-DNA position 1131, C replaced by A.
Protein change: p.Ser377Arg; replaces serine 377 with arginine.
Molecular consequence: missense variant.
Genome position (GRCh38, 1-based): chr17:37,710,578, G>T on the plus strand (C>A on the coding strand, the complement: HNF1B is on the minus strand). VCF-style: chr17-37710578-G-T. GRCh37 (hg19) VCF-style: chr17-36070586-G-T.
Other names: c.1053C>A, p.Ser351Arg (NM_001165923.4, NM_001304286.2); c.1131C>A, p.Ser377Arg (NM_001411100.1); short protein forms S351R, S377R.
Identifiers: ClinVar variation 3768862 (VCV003768862.1).